The following is an entry in ClinVar:

NM_020975.6(RET):c.1553C>T (p.Ser518Phe)

Gene: RET (ret proto-oncogene; plus strand). Cytogenetic location: 10q11.21.
Variant type: single nucleotide variant.
Coding change: c.1553C>T on transcript NM_020975.6 (MANE Select); coding-DNA position 1553, C replaced by T.
Protein change: p.Ser518Phe; replaces serine 518 with phenylalanine.
Molecular consequence: missense variant.
Genome position (GRCh38, 1-based): chr10:43,112,129, C>T. VCF-style: chr10-43112129-C-T. GRCh37 (hg19) VCF-style: chr10-43607577-C-T.
Other names: c.1553C>T, p.Ser518Phe (NM_000323.2, NM_001406743.1, NM_001406744.1 and 6 more transcripts); c.791C>T, p.Ser264Phe (NM_001355216.2); c.1424C>T, p.Ser475Phe (NM_001406761.1, NM_001406762.1, NM_001406764.1 and 1 more transcripts); c.1265C>T, p.Ser422Phe (NM_001406766.1, NM_001406767.1, NM_001406770.1); c.1157C>T, p.Ser386Phe (NM_001406769.1, NM_001406772.1); c.1115C>T, p.Ser372Phe (NM_001406771.1, NM_001406773.1); c.1028C>T, p.Ser343Phe (NM_001406774.1); c.827C>T, p.Ser276Phe (NM_001406775.1, NM_001406776.1, NM_001406777.1 and 1 more transcripts); and 5 more; short protein forms S264F, S518F, S219F, S35F, S372F, S176F, S188F, S386F.
Identifiers: ClinVar variation 1504488 (VCV001504488.9), dbSNP rs2132797325, ClinGen allele CA376550331.
Genomic context (GRCh38, chr10:43,112,129, plus strand): 5'-CCTGTGACCCTGCTTGTCTGCCACCTGCAGATGTGGCCGAGGAGGCGGGCTGCCCCCTGT[C>T]CTGTGCAGTCAGCAAGAGACGGCTGGAGTGTGAGGAGTGTGGCGGCCTGGGCTCCCCAAC-3'
Protein context (NP_066124.1, residues 508-528): YVAEEAGCPL[Ser518Phe]CAVSKRRLEC

ClinVar aggregate classification (germline): Uncertain significance (1 of 4 stars; one submission).

Conditions:
Multiple endocrine neoplasia, type 2 (MEN2). Identifiers: Orphanet 653, MedGen C4048306, MONDO:0019003. Disease mechanism: gain of function.

Allele frequency attached by ClinVar (database versions not stated): gnomAD exomes below 0.00001.
gnomAD v4.1: 2 of 1,601,066 alleles (0.00012%); highest among the groups gnomAD compares: Non-Finnish European, 0.00017%; no homozygotes.

Submission:

Labcorp Genetics (formerly Invitae), Labcorp
Classification: Uncertain significance for Multiple endocrine neoplasia, type 2. Last evaluated: 2021-01-25. Review status: criteria provided, single submitter. Criteria: Invitae Variant Classification Sherloc (09022015). Collection method: clinical testing. Allele origin: germline.
Comment: This sequence change replaces serine with phenylalanine at codon 518 of the RET protein (p.Ser518Phe). The serine residue is highly conserved and there is a large physicochemical difference between serine and phenylalanine. This variant is not present in population databases (ExAC no frequency). This variant has not been reported in the literature in individuals with RET-related conditions. Algorithms developed to predict the effect of missense changes on protein structure and function are either unavailable or do not agree on the potential impact of this missense change (SIFT: "Deleterious"; PolyPhen-2: "Probably Damaging"; Align-GVGD: "Class C15"). In summary, the available evidence is currently insufficient to determine the role of this variant in disease. Therefore, it has been classified as a Variant of Uncertain Significance.